The following is an entry in ClinVar:

ClinVar aggregate classification (germline): Uncertain significance. Review status: criteria provided, multiple submitters, no conflicts (2 of 4 stars). 2 submissions from 2 submitters: Uncertain significance (2). Last evaluated 2025-04-23.

Conditions:
Hereditary cancer-predisposing syndrome. Also called: Tumor predisposition; Hereditary neoplastic syndrome; Neoplastic Syndromes, Hereditary; Hereditary Cancer Syndrome. Identifiers: Orphanet 140162, MedGen C0027672, MeSH D009386, MONDO:0015356.
Hereditary nonpolyposis colorectal neoplasms. Identifiers: MedGen C0009405, MeSH D003123.

Allele frequency attached by ClinVar (database versions not stated): gnomAD exomes below 0.00001.
gnomAD v4.1: 1 of 1,609,836 alleles (0.000062%); highest among the groups gnomAD compares: Non-Finnish European, 0.000085%; no homozygotes.

Submissions (2):

Labcorp Genetics (formerly Invitae), Labcorp
Classification: Uncertain significance for Hereditary nonpolyposis colorectal neoplasms. Last evaluated: 2025-04-23. Review status: criteria provided, single submitter. Criteria: Invitae Variant Classification Sherloc (09022015). Collection method: clinical testing. Allele origin: germline.
Comment: This sequence change replaces serine, which is neutral and polar, with proline, which is neutral and non-polar, at codon 1343 of the MSH6 protein (p.Ser1343Pro). This variant is not present in population databases (gnomAD no frequency). This variant has not been reported in the literature in individuals affected with MSH6-related conditions. ClinVar contains an entry for this variant (Variation ID: 952073). Invitae Evidence Modeling of protein sequence and biophysical properties (such as structural, functional, and spatial information, amino acid conservation, physicochemical variation, residue mobility, and thermodynamic stability) indicates that this missense variant is not expected to disrupt MSH6 protein function with a negative predictive value of 95%. In summary, the available evidence is currently insufficient to determine the role of this variant in disease. Therefore, it has been classified as a Variant of Uncertain Significance.

Ambry Genetics
Classification: Uncertain significance for Hereditary cancer-predisposing syndrome. Last evaluated: 2023-07-06. Review status: criteria provided, single submitter. Criteria: Ambry Variant Classification Scheme 2023. Collection method: clinical testing. Allele origin: germline.
Comment: The p.S1343P variant (also known as c.4027T>C), located in coding exon 10 of the MSH6 gene, results from a T to C substitution at nucleotide position 4027. The serine at codon 1343 is replaced by proline, an amino acid with similar properties. This amino acid position is not well conserved in available vertebrate species. In addition, this alteration is predicted to be tolerated by in silico analysis. Since supporting evidence is limited at this time, the clinical significance of this alteration remains unclear.

NM_000179.3(MSH6):c.4027T>C (p.Ser1343Pro)

Gene: MSH6 (mutS homolog 6; plus strand). Cytogenetic location: 2p16.3.
Variant type: single nucleotide variant.
Coding change: c.4027T>C on transcript NM_000179.3 (MANE Select); coding-DNA position 4027, T replaced by C.
Protein change: p.Ser1343Pro; replaces serine 1343 with proline.
Molecular consequence: missense variant.
Genome position (GRCh38, 1-based): chr2:47,806,804, T>C. VCF-style: chr2-47806804-T-C. GRCh37 (hg19) VCF-style: chr2-48033943-T-C.
Other names: c.3637T>C, p.Ser1213Pro (NM_001281492.2); c.3121T>C, p.Ser1041Pro (NM_001281493.2, NM_001281494.2); short protein forms S1041P, S1213P, S1343P.
Identifiers: ClinVar variation 952073 (VCV000952073.13), dbSNP rs1670214006, ClinGen allele CA346761670.
Genomic context (GRCh38, chr2:47,806,804, plus strand): 5'-AAAAAAACTTTTTTTTTTTTTTTTTTAATTTTAAGGGAAGTTTGCCTGGCTAGTGAAAGG[T>C]CAACTGTAGATGCTGAAGCTGTCCATAAATTGCTGACTTTGATTAAGGAATTATAGACTG-3'
Protein context (NP_000170.1, residues 1333-1353): FREVCLASER[Ser1343Pro]TVDAEAVHKL